The following is an entry in ClinVar:

NM_001378454.1(ALMS1):c.1339C>G (p.Pro447Ala)

Gene: ALMS1 (ALMS1 centrosome and basal body associated protein; plus strand). Cytogenetic location: 2p13.1.
Variant type: single nucleotide variant.
Coding change: c.1339C>G on transcript NM_001378454.1 (MANE Select); coding-DNA position 1339, C replaced by G.
Protein change: p.Pro447Ala; replaces proline 447 with alanine.
Molecular consequence: missense variant.
Genome position (GRCh38, 1-based): chr2:73,432,198, C>G. VCF-style: chr2-73432198-C-G. GRCh37 (hg19) VCF-style: chr2-73659326-C-G.
Other names: c.1342C>G, p.Pro448Ala (NM_015120.4); short protein forms P448A, P447A.
Identifiers: ClinVar variation 553954 (VCV000553954.15), dbSNP rs377283762, ClinGen allele CA1713128.

ClinVar aggregate classification (germline): Conflicting classifications of pathogenicity. Review status: criteria provided, conflicting classifications (1 of 4 stars). 6 submissions from 6 submitters: Uncertain significance (2); Likely benign (2). 2 of the submissions do not count toward it. Last evaluated 2025-06-13.

Conditions:
Cardiovascular phenotype. Identifiers: MedGen CN230736.
Alstrom syndrome (ALMS). Identifiers: Orphanet 64, MedGen C0268425, MONDO:0008763, OMIM 203800.

Allele frequency attached by ClinVar (database versions not stated): ExAC 0.00003; gnomAD 0.00003 and 0.00004; gnomAD exomes 0.00003; TOPMed 0.00003; ESP Exome Variant Server 0.00008.
gnomAD v4.1: 78 of 1,610,650 alleles (0.0048%); highest among the groups gnomAD compares: Non-Finnish European, 0.0062%; no homozygotes.

Submissions (6):

Ambry Genetics
Classification: Likely benign for Cardiovascular phenotype. Last evaluated: 2025-06-13. Review status: criteria provided, single submitter. Criteria: Ambry Variant Classification Scheme 2023. Collection method: clinical testing. Allele origin: germline.

Blueprint Genetics
Classification: Likely benign. Last evaluated: 2023-08-29. Review status: criteria provided, single submitter. Criteria: ACMG Guidelines, 2015. Collection method: clinical testing. Allele origin: germline.

Labcorp Genetics (formerly Invitae), Labcorp
Classification: Uncertain significance for Alstrom syndrome. Last evaluated: 2022-05-28. Review status: criteria provided, single submitter. Criteria: Invitae Variant Classification Sherloc (09022015). Collection method: clinical testing. Allele origin: germline.
Comment: This sequence change replaces proline, which is neutral and non-polar, with alanine, which is neutral and non-polar, at codon 448 of the ALMS1 protein (p.Pro448Ala). This variant is present in population databases (rs377283762, gnomAD 0.009%). This variant has not been reported in the literature in individuals affected with ALMS1-related conditions. ClinVar contains an entry for this variant (Variation ID: 553954). Experimental studies and prediction algorithms are not available or were not evaluated, and the functional significance of this variant is currently unknown. Algorithms developed to predict the effect of sequence changes on RNA splicing suggest that this variant may create or strengthen a splice site. In summary, the available evidence is currently insufficient to determine the role of this variant in disease. Therefore, it has been classified as a Variant of Uncertain Significance.

GeneDx
Classification: Uncertain significance. Last evaluated: 2022-02-08. Review status: criteria provided, single submitter. Criteria: GeneDx Variant Classification Process June 2021. Collection method: clinical testing. Allele origin: germline. Affected: yes.
Comment: Not observed at a significant frequency in large population cohorts (gnomAD); In silico analysis supports that this missense variant has a deleterious effect on protein structure/function; Has not been previously published as pathogenic or benign to our knowledge

Natera, Inc.
Classification: Uncertain significance for Alstrom syndrome. Last evaluated: 2021-05-09. Review status: no assertion criteria provided. Collection method: clinical testing. Allele origin: germline. Not counted in ClinVar's aggregate classification.

Counsyl
Classification: Uncertain significance for Alstrom syndrome. Last evaluated: 2017-09-20. Review status: no assertion criteria provided. Collection method: clinical testing. Allele origin: unknown. Not counted in ClinVar's aggregate classification.